The following is an entry in ClinVar:

NM_002945.5(RPA1):c.1093-25T>C

Gene: RPA1 (replication protein A1; plus strand). Cytogenetic location: 17p13.3.
Variant type: single nucleotide variant.
Coding change: c.1093-25T>C on transcript NM_002945.5 (MANE Select); 25 bases into the intron before coding-DNA position 1093, T replaced by C.
Molecular consequence: intron variant.
Genome position (GRCh38, 1-based): chr17:1,880,518, T>C. VCF-style: chr17-1880518-T-C. GRCh37 (hg19) VCF-style: chr17-1783812-T-C.
Other names: c.1054-25T>C (NM_001355120.2); c.1093-25T>C (NM_001355121.2).
Identifiers: ClinVar variation 2688148 (VCV002688148.2), dbSNP rs2277694, ClinGen allele CA8276199.
Genomic context (GRCh38, chr17:1,880,518, plus strand): 5'-TTGAATGTTTGCCTTGTTTTCTATAAAAATCTTCTGTGTTCTTCCTGCTAGTGACACTTG[T>C]ATATGTCTGGTGTTTCTTTTACAGGCTGATAAATTTGATGGTTCTAGACAGCCCGTGTTG-3'

ClinVar aggregate classification (germline): Benign (1 of 4 stars; one submission).

Allele frequency attached by ClinVar (database versions not stated): 1000 Genomes Project 0.17192; 1000 Genomes Project 30x 0.17286; gnomAD 0.20721; TOPMed 0.20883; ESP Exome Variant Server 0.21106; ExAC 0.21177; gnomAD exomes 0.22328.
gnomAD v4.1: 356,328 of 1,606,942 alleles (22%); highest among the groups gnomAD compares: Admixed American, 27%; 40,701 homozygotes.

Submission:

Unidad de Genómica Garrahan, Hospital de Pediatría Garrahan
Classification: Benign. Last evaluated: 2024-01-24. Review status: criteria provided, single submitter. Criteria: ACMG Guidelines, 2015. Collection method: clinical testing. Allele origin: germline. Affected: no. Observed: 42 variant alleles.
Comment: This variant is classified as Benign based on local population frequency. This variant was detected in 44% of patients studied by a panel of primary immunodeficiencies. Number of patients: 42. Only high quality variants are reported.